The following is an entry in ClinVar:

NM_015973.5(GAL):c.73_81+37del

Gene: GAL (galanin and GMAP prepropeptide; plus strand). Cytogenetic location: 11q13.2.
Variant type: Deletion.
Coding change: c.73_81+37del on transcript NM_015973.5 (MANE Select); coding-DNA position 73 through 37 bases into the intron after coding-DNA position 81, 46 bases deleted.
Molecular consequence: splice donor variant.
Genome position (GRCh38, 1-based): chr11:68,684,996-68,685,041, 46 bases deleted; deleting any 46 consecutive bases within chr11:68,684,995-68,685,041 gives the same sequence; the c. name uses the placement nearest the transcript's 3' end. GRCh37 (hg19): chr11:68,452,464-68,452,509.
Identifiers: ClinVar variation 956705 (VCV000956705.5), dbSNP rs1297993483, ClinGen allele CA679611416.

ClinVar aggregate classification (germline): Uncertain significance (1 of 4 stars; one submission).

Conditions:
Familial temporal lobe epilepsy 8. Identifiers: Orphanet 101046, MedGen C4225318, MONDO:0014650, OMIM 616461.

Submission:

Labcorp Genetics (formerly Invitae), Labcorp
Classification: Uncertain significance for Familial temporal lobe epilepsy 8. Last evaluated: 2019-10-30. Review status: criteria provided, single submitter. Criteria: Invitae Variant Classification Sherloc (09022015). Collection method: clinical testing. Allele origin: germline.
Comment: This variant results in the deletion of part of exon 2 (c.73_81+37del) of the GAL gene. It is expected to disrupt RNA splicing and likely results in an absent or disrupted protein product. The frequency data for this variant in the population databases is considered unreliable, as metrics indicate insufficient coverage at this position in the ExAC database. This variant has not been reported in the literature in individuals with GAL-related conditions. The current clinical and genetic evidence is not sufficient to establish whether loss-of-function variants in GAL cause disease. In summary, the available evidence is currently insufficient to determine the role of this variant in disease. Therefore, it has been classified as a Variant of Uncertain Significance.